The following is an entry in ClinVar:

ClinVar aggregate classification (germline): Uncertain significance (1 of 4 stars; one submission).

Conditions:
Mendelian susceptibility to mycobacterial diseases due to complete ISG15 deficiency. Also called: IMMUNODEFICIENCY 38, MYCOBACTERIOSIS, AUTOSOMAL RECESSIVE; ISG15 DEFICIENCY, AUTOSOMAL RECESSIVE; Immunodeficiency 38 with basal ganglia calcification; Immunodeficiency 38. Identifiers: Orphanet 319563, MedGen C4015293, MONDO:0014502, OMIM 616126.

Allele frequency attached by ClinVar (database versions not stated): ExAC 0.00002.

Submission:

Labcorp Genetics (formerly Invitae), Labcorp
Classification: Uncertain significance for Mendelian susceptibility to mycobacterial diseases due to complete ISG15 deficiency. Last evaluated: 2023-01-30. Review status: criteria provided, single submitter. Criteria: Invitae Variant Classification Sherloc (09022015). Collection method: clinical testing. Allele origin: germline.
Comment: Algorithms developed to predict the effect of missense changes on protein structure and function (SIFT, PolyPhen-2, Align-GVGD) all suggest that this variant is likely to be tolerated. In summary, the available evidence is currently insufficient to determine the role of this variant in disease. Therefore, it has been classified as a Variant of Uncertain Significance. This variant has not been reported in the literature in individuals affected with ISG15-related conditions. This variant is not present in population databases (gnomAD no frequency). This sequence change replaces threonine, which is neutral and polar, with alanine, which is neutral and non-polar, at codon 101 of the ISG15 protein (p.Thr101Ala).

NM_005101.4(ISG15):c.301A>G (p.Thr101Ala)

Gene: ISG15 (ISG15 ubiquitin like modifier; plus strand). Cytogenetic location: 1p36.33.
Variant type: single nucleotide variant.
Coding change: c.301A>G on transcript NM_005101.4 (MANE Select); coding-DNA position 301, A replaced by G.
Protein change: p.Thr101Ala; replaces threonine 101 with alanine.
Molecular consequence: missense variant.
Genome position (GRCh38, 1-based): chr1:1,014,281, A>G. VCF-style: chr1-1014281-A-G. GRCh37 (hg19) VCF-style: chr1-949661-A-G.
Other names: short protein forms T101A.
Identifiers: ClinVar variation 2832527 (VCV002832527.3), dbSNP rs769282730, ClinGen allele CA507671.
Genomic context (GRCh38, chr1:1,014,281, plus strand): 5'-CCTCTGAGCATCCTGGTGAGGAATAACAAGGGCCGCAGCAGCACCTACGAGGTACGGCTG[A>G]CGCAGACCGTGGCCCACCTGAAGCAGCAAGTGAGCGGGCTGGAGGGTGTGCAGGACGACC-3'
Protein context (NP_005092.1, residues 91-111): GRSSTYEVRL[Thr101Ala]QTVAHLKQQV